The following is an entry in ClinVar:

NM_000051.4(ATM):c.8561G>T (p.Arg2854Leu)

Genes: ATM (ATM serine/threonine kinase; plus strand), C11orf65 (chromosome 11 open reading frame 65; minus strand). Cytogenetic location: 11q22.3.
Variant type: single nucleotide variant.
Coding change: c.8561G>T on transcript NM_000051.4 (MANE Select); coding-DNA position 8561, G replaced by T.
Protein change: p.Arg2854Leu; replaces arginine 2854 with leucine.
Molecular consequence: missense variant. On other transcripts: intron variant (2).
Genome position (GRCh38, 1-based): chr11:108,345,885, G>T. VCF-style: chr11-108345885-G-T. GRCh37 (hg19) VCF-style: chr11-108216612-G-T.
Other names: c.8561G>T, p.Arg2854Leu (NM_001351834.2); c.641-36814C>A (NM_001330368.2); c.695-10593C>A (NM_001351110.2); short protein forms R2854L.
Identifiers: ClinVar variation 481058 (VCV000481058.18), dbSNP rs1060501605, ClinGen allele CA382518588.

ClinVar aggregate classification (germline): Uncertain significance. Review status: criteria provided, multiple submitters, no conflicts (2 of 4 stars). 3 submissions from 3 submitters: Uncertain significance (3). Last evaluated 2025-09-11.

Conditions:
Hereditary cancer-predisposing syndrome. Also called: Neoplastic Syndromes, Hereditary; Hereditary Cancer Syndrome; Tumor predisposition; Hereditary neoplastic syndrome. Identifiers: Orphanet 140162, MedGen C0027672, MeSH D009386, MONDO:0015356.
Ataxia-telangiectasia syndrome (AT). Also called: LOUIS-BAR SYNDROME; Cerebello-oculocutaneous telangiectasia; Immunodeficiency with ataxia telangiectasia; Ataxia-telangiectasia, complementation group D; AT, COMPLEMENTATION GROUP C; Ataxia-telangiectasia, complementation group E. Identifiers: Orphanet 100, MedGen C0004135, MONDO:0008840, OMIM 208900.

Allele frequency attached by ClinVar (database versions not stated): gnomAD 0.00001.
gnomAD v4.1: 3 of 1,613,546 alleles (0.00019%); highest among the groups gnomAD compares: Admixed American, 0.0033%; no homozygotes.

Submissions (3):

Ambry Genetics
Classification: Uncertain significance for Hereditary cancer-predisposing syndrome. Last evaluated: 2025-09-11. Review status: criteria provided, single submitter. Criteria: Ambry Variant Classification Scheme 2023. Collection method: clinical testing. Allele origin: germline.
Comment: The p.R2854L variant (also known as c.8561G>T), located in coding exon 57 of the ATM gene, results from a G to T substitution at nucleotide position 8561. The arginine at codon 2854 is replaced by leucine, an amino acid with dissimilar properties. This amino acid position is highly conserved in available vertebrate species. In addition, this alteration is predicted to be deleterious by in silico analysis. Since supporting evidence is limited at this time, the clinical significance of this alteration remains unclear.

Labcorp Genetics (formerly Invitae), Labcorp
Classification: Uncertain significance for Ataxia-telangiectasia syndrome. Last evaluated: 2025-04-27. Review status: criteria provided, single submitter. Criteria: Invitae Variant Classification Sherloc (09022015). Collection method: clinical testing. Allele origin: germline.
Comment: This sequence change replaces arginine, which is basic and polar, with leucine, which is neutral and non-polar, at codon 2854 of the ATM protein (p.Arg2854Leu). The frequency data for this variant in the population databases is considered unreliable, as metrics indicate poor data quality at this position in the gnomAD database. This variant has not been reported in the literature in individuals affected with ATM-related conditions. ClinVar contains an entry for this variant (Variation ID: 481058). Invitae Evidence Modeling of protein sequence and biophysical properties (such as structural, functional, and spatial information, amino acid conservation, physicochemical variation, residue mobility, and thermodynamic stability) indicates that this missense variant is expected to disrupt ATM protein function with a positive predictive value of 95%. In summary, the available evidence is currently insufficient to determine the role of this variant in disease. Therefore, it has been classified as a Variant of Uncertain Significance.

GeneDx
Classification: Uncertain significance. Last evaluated: 2023-01-12. Review status: criteria provided, single submitter. Criteria: GeneDx Variant Classification Process June 2021. Collection method: clinical testing. Allele origin: germline. Affected: yes.
Comment: Not observed at significant frequency in large population cohorts (gnomAD); In silico analysis supports that this missense variant has a deleterious effect on protein structure/function; Has not been previously published as pathogenic or benign to our knowledge; This variant is associated with the following publications: (PMID: 23532176)